The following is an entry in ClinVar:

ClinVar aggregate classification (germline): Uncertain significance (1 of 4 stars; one submission).

Submission:

CeGaT Center for Human Genetics Tuebingen
Classification: Uncertain significance. Last evaluated: 2022-11-01. Review status: criteria provided, single submitter. Criteria: CeGaT Center For Human Genetics Tuebingen Variant Classification Criteria Version 2. Collection method: clinical testing. Allele origin: germline. Affected: yes. Observed: 1 variant allele.
Comment: DALRD3: PM2

NM_001009996.3(DALRD3):c.698_699dup (p.Asn234fs)

Gene: DALRD3 (DALR anticodon binding domain containing 3; minus strand). Cytogenetic location: 3p21.31.
Variant type: Duplication.
Coding change: c.698_699dup on transcript NM_001009996.3 (MANE Select); coding-DNA positions 698 to 699, 2 bases duplicated (CC; older notation c.698_699dupCC).
Protein change: p.Asn234fs; shifts the reading frame from asparagine 234.
Molecular consequence: frameshift variant.
Genome position (GRCh38, 1-based): chr3:49,017,632-49,017,633, GG duplicated on the plus strand (CC on the coding strand, the reverse complement: DALRD3 is on the minus strand); duplicating any 2 consecutive bases within chr3:49,017,632-49,017,635 gives the same sequence; the c. name uses the placement nearest the transcript's 3' end. VCF-style (leftmost placement, unchanged base first): chr3-49017631-T-TGG. GRCh37 (hg19) VCF-style: chr3-49055064-T-TGG.
Other names: c.698_699dup, p.Asn234fs (NM_001276405.2); c.197_198dup, p.Asn67fs (NM_018114.6); short protein forms N234fs, N67fs.
Identifiers: ClinVar variation 1879581 (VCV001879581.29), dbSNP rs2471596625, ClinGen allele CA2577592922.
Genomic context (GRCh38, chr3:49,017,631, plus strand): 5'-CCCCTCCTGCCTTTTCTGGCCCTGCTAGGCTTCAGGTCCTACCCAGACAGTTGTCCAGGT[T>TGG]GGGGTCATAGCCAGCTGTGCGGCCCTGTTCTTCCACCAGCTCCTTCAGACACAGTCTGCC-3'